The following is an entry in ClinVar:

ClinVar aggregate classification (germline): Likely benign (0 of 4 stars; one submission).

Conditions:
EP300-related disorder. Also called: EP300-related disorders; EP300-related condition.

Submission:

PreventionGenetics, part of Exact Sciences
Classification: Likely benign for EP300-related condition. Last evaluated: 2022-08-16. Review status: no assertion criteria provided. Collection method: clinical testing. Allele origin: germline.
Comment: This variant is classified as likely benign based on ACMG/AMP sequence variant interpretation guidelines (Richards et al. 2015 PMID: 25741868, with internal and published modifications).

NM_001429.4(EP300):c.4617T>C (p.Asp1539=)

Gene: EP300 (E1A binding protein p300; plus strand). Cytogenetic location: 22q13.2.
Variant type: single nucleotide variant.
Coding change: c.4617T>C on transcript NM_001429.4 (MANE Select); coding-DNA position 4617, T replaced by C.
Protein change: p.Asp1539=; no amino-acid change (aspartic acid 1539 retained).
Molecular consequence: synonymous variant.
Genome position (GRCh38, 1-based): chr22:41,172,663, T>C. VCF-style: chr22-41172663-T-C. GRCh37 (hg19) VCF-style: chr22-41568667-T-C.
Other names: c.4539T>C, p.Asp1513= (NM_001362843.2).
Identifiers: ClinVar variation 3353777 (VCV003353777.1).